The following is an entry in ClinVar:

ClinVar aggregate classification (germline): Pathogenic. Review status: criteria provided, single submitter (1 of 4 stars). 4 submissions from 4 submitters: Pathogenic (1). 3 of the submissions do not count toward it. Last evaluated 2026-07-21.

Conditions:
Neurodevelopmental disorder with severe motor impairment and absent language. Also called: NEURODEVELOPMENTAL DISORDER WITH VARIABLE MOTOR AND LANGUAGE IMPAIRMENT. Identifiers: Orphanet 647788, MedGen C4540496, MONDO:0060622, OMIM 617804.
Inborn genetic diseases. Identifiers: MedGen C0950123, MeSH D030342.
Oculomotor apraxia. Identifiers: MedGen C3489733, HP:0000657.
Strabismus. Identifiers: MedGen C0038379, MONDO:0003432, HP:0000486.
Microcephaly. Also called: Microcephaly (disease). Identifiers: MedGen C4551563, MONDO:0001149, HP:0000252.
Seizure. Also called: Seizures. Identifiers: MedGen C0036572, HP:0001250.
Short stature. Identifiers: MedGen C0349588, HP:0004322.
Unsteady gait. Identifiers: MedGen C0231686, HP:0002317.

Submissions (4):

Ambry Genetics
Classification: Pathogenic for Inborn genetic diseases. Last evaluated: 2026-07-21. Review status: criteria provided, single submitter. Criteria: Ambry Variant Classification Scheme 2023. Collection method: clinical testing. Allele origin: germline.
Comment: The c.1478G>A (p.R493H) alteration is located in exon 11 (coding exon 9) of the DHX30 gene. This alteration results from a G to A substitution at nucleotide position 1478, causing the arginine (R) at amino acid position 493 to be replaced by a histidine (H). This variant was not reported in population-based cohorts in the Genome Aggregation Database (gnomAD). This variant was determined to be de novo in at least one individual with features consistent with DHX30-related neurodevelopmental disorder (Lessel, 2017). This amino acid position is highly conserved in available vertebrate species. The in silico prediction for this alteration is inconclusive. Based on the available evidence, this alteration is classified as pathogenic.

OMIM
Classification: Pathogenic for NEURODEVELOPMENTAL DISORDER WITH VARIABLE MOTOR AND SPEECH IMPAIRMENT. Last evaluated: 2023-02-27. Review status: no assertion criteria provided. Collection method: literature only. Allele origin: germline. Not counted in ClinVar's aggregate classification.

Joint Genome Diagnostic Labs from Nijmegen and Maastricht, Radboudumc and MUMC+
Classification: Pathogenic. Review status: no assertion criteria provided. Collection method: clinical testing. Allele origin: germline. Affected: yes. Not counted in ClinVar's aggregate classification.

Lupski Lab, Baylor-Hopkins CMG, Baylor College of Medicine
Classification: Pathogenic for Seizure; Microcephaly; Short stature; Strabismus; Oculomotor apraxia; Unsteady gait. Review status: no assertion criteria provided. Collection method: research. Allele origin: de novo. Inheritance: Autosomal dominant inheritance. Affected: yes. Not counted in ClinVar's aggregate classification.

Literature cited by the submitters: PubMed 29100085 (cited by Ambry Genetics and OMIM).

NM_138615.3(DHX30):c.1478G>A (p.Arg493His)

Gene: DHX30 (DExH-box helicase 30; plus strand). Cytogenetic location: 3p21.31.
Variant type: single nucleotide variant.
Coding change: c.1478G>A on transcript NM_138615.3 (MANE Select); coding-DNA position 1478, G replaced by A.
Protein change: p.Arg493His; replaces arginine 493 with histidine.
Molecular consequence: missense variant.
Genome position (GRCh38, 1-based): chr3:47,846,550, G>A. VCF-style: chr3-47846550-G-A. GRCh37 (hg19) VCF-style: chr3-47888040-G-A.
Other names: c.1394G>A, p.Arg465His (NM_001330990.2); c.1361G>A, p.Arg454His (NM_014966.4); short protein forms R493H, R454H, R465H.
Identifiers: ClinVar variation 375374 (VCV000375374.5), dbSNP rs1057519436, ClinGen allele CA16044217.
Genomic context (GRCh38, chr3:47,846,550, plus strand): 5'-AGCGCTATGTGACCGAGGGCCGAGGTGCCCGCTGCAATGTTATCATCACCCAACCTCGCC[G>A]CATCTCTGCTGTGTCTGTGGCACAGCGGGTCAGCCACGAACTGGGCCCCTCCCTGCGCCG-3'
Protein context (NP_619520.1, residues 483-503): RCNVIITQPR[Arg493His]ISAVSVAQRV